The following is an entry in ClinVar:

ClinVar aggregate classification (germline): Uncertain significance. Review status: criteria provided, multiple submitters, no conflicts (2 of 4 stars). 2 submissions from 2 submitters: Uncertain significance (2). Last evaluated 2022-10-14.

Conditions:
Hereditary pancreatitis (PCTT). Also called: PRSS1-Related Hereditary Pancreatitis; Hereditary chronic pancreatitis. Identifiers: Orphanet 676, MedGen C0238339, MONDO:0008185, OMIM 167800.

Submissions (2):

Labcorp Genetics (formerly Invitae), Labcorp
Classification: Uncertain significance for Hereditary pancreatitis. Last evaluated: 2022-10-14. Review status: criteria provided, single submitter. Criteria: Invitae Variant Classification Sherloc (09022015). Collection method: clinical testing. Allele origin: germline.
Comment: This sequence change replaces glutamine, which is neutral and polar, with lysine, which is basic and polar, at codon 38 of the PRSS1 protein (p.Gln38Lys). In summary, the available evidence is currently insufficient to determine the role of this variant in disease. Therefore, it has been classified as a Variant of Uncertain Significance. Advanced modeling of protein sequence and biophysical properties (such as structural, functional, and spatial information, amino acid conservation, physicochemical variation, residue mobility, and thermodynamic stability) performed at Invitae indicates that this missense variant is expected to disrupt PRSS1 protein function. This variant has not been reported in the literature in individuals affected with PRSS1-related conditions. The frequency data for this variant in the population databases is considered unreliable, as metrics indicate poor data quality at this position in the gnomAD database.

Ambry Genetics
Classification: Uncertain significance for Hereditary pancreatitis. Last evaluated: 2022-09-20. Review status: criteria provided, single submitter. Criteria: Ambry Variant Classification Scheme 2023. Collection method: clinical testing. Allele origin: germline.
Comment: The p.Q38K variant (also known as c.112C>A), located in coding exon 2 of the PRSS1 gene, results from a C to A substitution at nucleotide position 112. The glutamine at codon 38 is replaced by lysine, an amino acid with similar properties. This amino acid position is conserved. In addition, this alteration is predicted to be deleterious by in silico analysis. Since supporting evidence is limited at this time, the clinical significance of this alteration remains unclear.

NM_002769.5(PRSS1):c.112C>A (p.Gln38Lys)

Genes: TRB (T cell receptor beta locus; plus strand), PRSS1 (serine protease 1; plus strand). Cytogenetic location: 7q34.
Variant type: single nucleotide variant.
Coding change: c.112C>A on transcript NM_002769.5 (MANE Select); coding-DNA position 112, C replaced by A.
Protein change: p.Gln38Lys; replaces glutamine 38 with lysine.
Molecular consequence: missense variant. On other transcripts: non-coding transcript variant (2).
Genome position (GRCh38, 1-based): chr7:142,750,626, C>A. VCF-style: chr7-142750626-C-A. GRCh37 (hg19) VCF-style: chr7-142458477-C-A.
Other names: short protein forms Q38K.
Identifiers: ClinVar variation 1721622 (VCV001721622.7), dbSNP rs775259109, ClinGen allele CA4529679.
Genomic context (GRCh38, chr7:142,750,626, plus strand): 5'-TTTGATGATGATGACAAGATCGTTGGGGGCTACAACTGTGAGGAGAATTCTGTCCCCTAC[C>A]AGGTGTCCCTGAATTCTGGCTACCACTTCTGTGGTGGCTCCCTCATCAACGAACAGTGGG-3'
Protein context (NP_002760.1, residues 28-48): YNCEENSVPY[Gln38Lys]VSLNSGYHFC